The following is an entry in ClinVar:

NM_020795.4(NLGN2):c.1543G>A (p.Ala515Thr)

Gene: NLGN2 (neuroligin 2; plus strand). Cytogenetic location: 17p13.1.
Variant type: single nucleotide variant.
Coding change: c.1543G>A on transcript NM_020795.4 (MANE Select); coding-DNA position 1543, G replaced by A.
Protein change: p.Ala515Thr; replaces alanine 515 with threonine.
Molecular consequence: missense variant.
Genome position (GRCh38, 1-based): chr17:7,416,016, G>A. VCF-style: chr17-7416016-G-A. GRCh37 (hg19) VCF-style: chr17-7319335-G-A.
Other names: c.1543G>A (NM_020795.2); short protein forms A515T.
Identifiers: ClinVar variation 1984769 (VCV001984769.5), dbSNP rs140489941, ClinGen allele CA8346088.

ClinVar aggregate classification (germline): Uncertain significance. Review status: criteria provided, multiple submitters, no conflicts (2 of 4 stars). 2 submissions from 2 submitters: Uncertain significance (2). Last evaluated 2025-08-11.

Allele frequency attached by ClinVar (database versions not stated): ExAC 0.00001; gnomAD exomes 0.00001; gnomAD 0.00003; TOPMed 0.00005; ESP Exome Variant Server 0.00008; 1000 Genomes Project 30x 0.00016; 1000 Genomes Project 0.00020.
gnomAD v4.1: 12 of 1,613,904 alleles (0.00074%); highest among the groups gnomAD compares: African/African-American, 0.016%; no homozygotes.

Submissions (2):

Ambry Genetics
Classification: Uncertain significance. Last evaluated: 2025-08-11. Review status: criteria provided, single submitter. Criteria: Ambry Variant Classification Scheme 2023. Collection method: clinical testing. Allele origin: germline.

Labcorp Genetics (formerly Invitae), Labcorp
Classification: Uncertain significance. Last evaluated: 2024-07-23. Review status: criteria provided, single submitter. Criteria: Invitae Variant Classification Sherloc (09022015). Collection method: clinical testing. Allele origin: germline.
Comment: This sequence change replaces alanine, which is neutral and non-polar, with threonine, which is neutral and polar, at codon 515 of the NLGN2 protein (p.Ala515Thr). This variant is present in population databases (rs140489941, gnomAD 0.02%). This variant has not been reported in the literature in individuals affected with NLGN2-related conditions. ClinVar contains an entry for this variant (Variation ID: 1984769). Advanced modeling of protein sequence and biophysical properties (such as structural, functional, and spatial information, amino acid conservation, physicochemical variation, residue mobility, and thermodynamic stability) performed at Invitae indicates that this missense variant is not expected to disrupt NLGN2 protein function with a negative predictive value of 80%. In summary, the available evidence is currently insufficient to determine the role of this variant in disease. Therefore, it has been classified as a Variant of Uncertain Significance.